The following is an entry in ClinVar:

ClinVar aggregate classification (germline): Uncertain significance. Review status: criteria provided, multiple submitters, no conflicts (2 of 4 stars). 2 submissions from 2 submitters: Uncertain significance (2). Last evaluated 2023-01-03.

Conditions:
LAMA2-related muscular dystrophy (LAMA2-RD). Also called: Laminin alpha 2-related dystrophy. Identifiers: MedGen C5679788, MONDO:0100228.

Allele frequency attached by ClinVar (database versions not stated): gnomAD exomes below 0.00001; TOPMed below 0.00001.
gnomAD v4.1: 2 of 1,613,948 alleles (0.00012%); highest among the groups gnomAD compares: Non-Finnish European, 0.000085%; no homozygotes.

Submissions (2):

Revvity Omics, Revvity
Classification: Uncertain significance. Last evaluated: 2023-01-03. Review status: criteria provided, single submitter. Criteria: ACMG Guidelines, 2015. Collection method: clinical testing. Allele origin: germline.

Labcorp Genetics (formerly Invitae), Labcorp
Classification: Uncertain significance for LAMA2-related muscular dystrophy. Last evaluated: 2022-08-15. Review status: criteria provided, single submitter. Criteria: Invitae Variant Classification Sherloc (09022015). Collection method: clinical testing. Allele origin: germline.
Comment: This sequence change replaces glycine, which is neutral and non-polar, with serine, which is neutral and polar, at codon 1162 of the LAMA2 protein (p.Gly1162Ser). This variant is not present in population databases (gnomAD no frequency). This variant has not been reported in the literature in individuals affected with LAMA2-related conditions. ClinVar contains an entry for this variant (Variation ID: 1400456). Advanced modeling of protein sequence and biophysical properties (such as structural, functional, and spatial information, amino acid conservation, physicochemical variation, residue mobility, and thermodynamic stability) performed at Invitae indicates that this missense variant is not expected to disrupt LAMA2 protein function. In summary, the available evidence is currently insufficient to determine the role of this variant in disease. Therefore, it has been classified as a Variant of Uncertain Significance.

NM_000426.4(LAMA2):c.3484G>A (p.Gly1162Ser)

Gene: LAMA2 (laminin subunit alpha 2; plus strand). Cytogenetic location: 6q22.33.
Variant type: single nucleotide variant.
Coding change: c.3484G>A on transcript NM_000426.4 (MANE Select); coding-DNA position 3484, G replaced by A.
Protein change: p.Gly1162Ser; replaces glycine 1162 with serine.
Molecular consequence: missense variant.
Genome position (GRCh38, 1-based): chr6:129,314,727, G>A. VCF-style: chr6-129314727-G-A. GRCh37 (hg19) VCF-style: chr6-129635872-G-A.
Other names: c.3484G>A (NM_000426.3); c.3484G>A, p.Gly1162Ser (NM_001079823.2); short protein forms G1162S.
Identifiers: ClinVar variation 1400456 (VCV001400456.7), dbSNP rs1774468014, ClinGen allele CA365612325.
Genomic context (GRCh38, chr6:129,314,727, plus strand): 5'-GGCATCCACTGTGACAGATGCCGGCCTGGCAAATTCGGACTCGATGCCAAGAATCCACTT[G>A]GCTGCAGCAGCTGCTATTGCTTCGGCACTACTACCCAGTGCTCTGAAGCAAAAGGACTGA-3'
Protein context (NP_000417.3, residues 1152-1172): KFGLDAKNPL[Gly1162Ser]CSSCYCFGTT